The following is an entry in ClinVar:

ClinVar aggregate classification (germline): Uncertain significance. Review status: criteria provided, multiple submitters, no conflicts (2 of 4 stars). 2 submissions from 2 submitters: Uncertain significance (2). Last evaluated 2026-01-27.

Conditions:
Immunodeficiency 14 (IMD14A). Also called: ACTIVATED PI3K-DELTA SYNDROME 1; Activated PI3K Delta Syndrome Type 1 (APDS1); p110-DELTA-ACTIVATING MUTATION CAUSING SENESCENT T CELLS, LYMPHADENOPATHY, AND IMMUNODEFICIENCY; IMMUNODEFICIENCY 14A WITH LYMPHOPROLIFERATION, AUTOSOMAL DOMINANT. Identifiers: Orphanet 397596, Orphanet 693661, MedGen C5907821, MONDO:0014222, OMIM 615513.

Allele frequency attached by ClinVar (database versions not stated): gnomAD 0.00001 and 0.00002; TOPMed 0.00001; ExAC 0.00002; gnomAD exomes 0.00002; 1000 Genomes Project 30x 0.00016; 1000 Genomes Project 0.00020.
gnomAD v4.1: 32 of 1,613,882 alleles (0.002%); highest among the groups gnomAD compares: Admixed American, 0.0033%; no homozygotes.

Submissions (2):

Labcorp Genetics (formerly Invitae), Labcorp
Classification: Uncertain significance for Activated PI3K-delta syndrome. Last evaluated: 2026-01-27. Review status: criteria provided, single submitter. Criteria: Invitae Variant Classification Sherloc (09022015). Collection method: clinical testing. Allele origin: germline.
Comment: This sequence change replaces arginine, which is basic and polar, with cysteine, which is neutral and slightly polar, at codon 969 of the PIK3CD protein (p.Arg969Cys). This variant is present in population databases (rs551657853, gnomAD 0.007%). This variant has not been reported in the literature in individuals affected with PIK3CD-related conditions. ClinVar contains an entry for this variant (Variation ID: 1490439). Invitae Evidence Modeling of protein sequence and biophysical properties (such as structural, functional, and spatial information, amino acid conservation, physicochemical variation, residue mobility, and thermodynamic stability) indicates that this missense variant is not expected to disrupt PIK3CD protein function with a negative predictive value of 80%. In summary, the available evidence is currently insufficient to determine the role of this variant in disease. Therefore, it has been classified as a Variant of Uncertain Significance.

Blueprint Genetics
Classification: Uncertain significance. Last evaluated: 2019-10-31. Review status: criteria provided, single submitter. Criteria: ACMG Guidelines, 2015. Collection method: clinical testing. Allele origin: germline.

NM_005026.5(PIK3CD):c.2905C>T (p.Arg969Cys)

Gene: PIK3CD (phosphatidylinositol-4,5-bisphosphate 3-kinase catalytic subunit delta; plus strand). Cytogenetic location: 1p36.22.
Variant type: single nucleotide variant.
Coding change: c.2905C>T on transcript NM_005026.5 (MANE Select); coding-DNA position 2905, C replaced by T.
Protein change: p.Arg969Cys; replaces arginine 969 with cysteine.
Molecular consequence: missense variant.
Genome position (GRCh38, 1-based): chr1:9,724,844, C>T. VCF-style: chr1-9724844-C-T. GRCh37 (hg19) VCF-style: chr1-9784902-C-T.
Other names: c.2818C>T, p.Arg940Cys (NM_001350235.1); c.2902C>T, p.Arg968Cys (NM_001350234.2); short protein forms R968C, R940C, R969C.
Identifiers: ClinVar variation 1490439 (VCV001490439.7), dbSNP rs551657853, ClinGen allele CA577677.
Genomic context (GRCh38, chr1:9,724,844, plus strand): 5'-CCTCTGTCCCCTACCTGCAGGTTCCGGGGCTACTGTGAAAGGGCCTACACCATCCTGCGG[C>T]GCCACGGGCTTCTCTTCCTCCACCTCTTTGCCCTGATGCGGGCGGCAGGCCTGCCTGAGC-3'
Protein context (NP_005017.3, residues 959-979): YCERAYTILR[Arg969Cys]HGLLFLHLFA